The following is an entry in ClinVar:

ClinVar aggregate classification (germline): Uncertain significance (1 of 4 stars; one submission).

Conditions:
Short-rib thoracic dysplasia 14 with polydactyly (SRTD14). Identifiers: Orphanet 397715, MedGen C4225286, MONDO:0014688, OMIM 616546.
Joubert syndrome 23 (JBTS23). Identifiers: Orphanet 475, MedGen C4084822, MONDO:0014664, OMIM 616490.

Allele frequency attached by ClinVar (database versions not stated): gnomAD exomes below 0.00001 and 0.00001; gnomAD 0.00001; TOPMed 0.00002; ExAC 0.00003.
gnomAD v4.1: 8 of 1,504,586 alleles (0.00053%); highest among the groups gnomAD compares: Admixed American, 0.0019%; no homozygotes.

Submission:

Labcorp Genetics (formerly Invitae), Labcorp
Classification: Uncertain significance for Joubert syndrome 23; Short-rib thoracic dysplasia 14 with polydactyly. Last evaluated: 2022-10-24. Review status: criteria provided, single submitter. Criteria: Invitae Variant Classification Sherloc (09022015). Collection method: clinical testing. Allele origin: germline.
Comment: This sequence change replaces aspartic acid, which is acidic and polar, with histidine, which is basic and polar, at codon 1033 of the KIAA0586 protein (p.Asp1033His). This variant is present in population databases (rs754818478, gnomAD 0.001%). This variant has not been reported in the literature in individuals affected with KIAA0586-related conditions. ClinVar contains an entry for this variant (Variation ID: 1395462). Advanced modeling of protein sequence and biophysical properties (such as structural, functional, and spatial information, amino acid conservation, physicochemical variation, residue mobility, and thermodynamic stability) has been performed at Invitae for this missense variant, however the output from this modeling did not meet the statistical confidence thresholds required to predict the impact of this variant on KIAA0586 protein function. In summary, the available evidence is currently insufficient to determine the role of this variant in disease. Therefore, it has been classified as a Variant of Uncertain Significance.

NM_001329943.3(KIAA0586):c.2938G>C (p.Asp980His)

Gene: KIAA0586 (KIAA0586; plus strand). Cytogenetic location: 14q23.1.
Variant type: single nucleotide variant.
Coding change: c.2938G>C on transcript NM_001329943.3 (MANE Select); coding-DNA position 2938, G replaced by C.
Protein change: p.Asp980His; replaces aspartic acid 980 with histidine.
Molecular consequence: missense variant.
Genome position (GRCh38, 1-based): chr14:58,477,235, G>C. VCF-style: chr14-58477235-G-C. GRCh37 (hg19) VCF-style: chr14-58943953-G-C.
Other names: c.2938G>C, p.Asp980His (NM_001329946.2, NM_001329947.2, NM_001329944.2); c.2683G>C, p.Asp895His (NM_001364700.1, NM_001364701.2, NM_001244191.2 and 1 more transcripts); c.2710G>C, p.Asp904His (NM_014749.5); c.3097G>C, p.Asp1033His (NM_001244189.2); c.2893G>C, p.Asp965His (NM_001244190.2); c.2806G>C, p.Asp936His (NM_001244192.2); c.2518G>C, p.Asp840His (NM_001244193.2); short protein forms D840H, D936H, D965H, D1033H, D980H, D895H, D904H.
Identifiers: ClinVar variation 1395462 (VCV001395462.5), dbSNP rs754818478, ClinGen allele CA7206007.